The following is an entry in ClinVar:

ClinVar aggregate classification (germline): Likely benign. Review status: criteria provided, multiple submitters, no conflicts (2 of 4 stars). 4 submissions from 4 submitters: Likely benign (4). Last evaluated 2026-01-12.

Conditions:
Charcot-Marie-Tooth disease axonal type 2O. Also called: CHARCOT-MARIE-TOOTH NEUROPATHY, AXONAL, TYPE 2O; CHARCOT-MARIE-TOOTH DISEASE, AXONAL, AUTOSOMAL DOMINANT, TYPE 2O; Charcot-Marie-Tooth Neuropathy Type 2O; Charcot-Marie-Tooth disease, axonal, type 20. Identifiers: Orphanet 284232, MedGen C3280220, MONDO:0013644, OMIM 614228.

Allele frequency attached by ClinVar (database versions not stated): ExAC 0.00002; gnomAD exomes 0.00002 and 0.00006; TOPMed 0.00004; gnomAD 0.00005.
gnomAD v4.1: 92 of 1,613,310 alleles (0.0057%); highest among the groups gnomAD compares: Non-Finnish European, 0.0076%; 1 homozygote.

Submissions (4):

Labcorp Genetics (formerly Invitae), Labcorp
Classification: Likely benign for Charcot-Marie-Tooth disease axonal type 2O. Last evaluated: 2026-01-12. Review status: criteria provided, single submitter. Criteria: Invitae Variant Classification Sherloc (09022015). Collection method: clinical testing. Allele origin: germline.

Mayo Clinic Laboratories, Mayo Clinic
Classification: Likely benign. Last evaluated: 2025-09-02. Review status: criteria provided, single submitter. Criteria: ACMG Guidelines, 2015. Collection method: clinical testing. Allele origin: germline. Observed: 2 variant alleles.
Comment: BS2

Blueprint Genetics
Classification: Likely benign. Last evaluated: 2019-07-24. Review status: criteria provided, single submitter. Criteria: ACMG Guidelines, 2015. Collection method: clinical testing. Allele origin: germline.

GeneDx
Classification: Likely benign. Last evaluated: 2016-10-11. Review status: criteria provided, single submitter. Criteria: GeneDx Variant Classification (06012015). Collection method: clinical testing. Allele origin: germline. Affected: yes.
Comment: This variant is considered likely benign or benign based on one or more of the following criteria: it is a conservative change, it occurs at a poorly conserved position in the protein, it is predicted to be benign by multiple in silico algorithms, and/or has population frequency not consistent with disease.

NM_001376.5(DYNC1H1):c.13024A>G (p.Lys4342Glu)

Gene: DYNC1H1 (dynein cytoplasmic 1 heavy chain 1; plus strand). Cytogenetic location: 14q32.31.
Variant type: single nucleotide variant.
Coding change: c.13024A>G on transcript NM_001376.5 (MANE Select); coding-DNA position 13024, A replaced by G.
Protein change: p.Lys4342Glu; replaces lysine 4342 with glutamic acid.
Molecular consequence: missense variant.
Genome position (GRCh38, 1-based): chr14:102,047,834, A>G. VCF-style: chr14-102047834-A-G. GRCh37 (hg19) VCF-style: chr14-102514171-A-G.
Other names: p.Lys4342Glu; short protein forms K4342E.
Identifiers: ClinVar variation 377822 (VCV000377822.12), dbSNP rs747829220, ClinGen allele CA7354132.
Genomic context (GRCh38, chr14:102,047,834, plus strand): 5'-TCCCCTCCCTCCTTCCTGCTGCGACTGTGGGACTGTGGCCCAGGTGTGGACATGATCAGT[A>G]AAATGCTGAAGATGCAGATGTTGGAGGATGAGGACGACCTGGCCTACGCAGAGACTGAGA-3'
Protein context (NP_001367.2, residues 4332-4352): LTTQGVDMIS[Lys4342Glu]MLKMQMLEDE